The following is an entry in ClinVar:

NM_000785.4(CYP27B1):c.1136+9G>T

Gene: CYP27B1 (cytochrome P450 family 27 subfamily B member 1; minus strand). Cytogenetic location: 12q14.1.
Variant type: single nucleotide variant.
Coding change: c.1136+9G>T on transcript NM_000785.4 (MANE Select); 9 bases into the intron after coding-DNA position 1136, G replaced by T.
Molecular consequence: intron variant.
Genome position (GRCh38, 1-based): chr12:57,764,369, C>A on the plus strand (G>T on the coding strand, the complement: CYP27B1 is on the minus strand). VCF-style: chr12-57764369-C-A. GRCh37 (hg19) VCF-style: chr12-58158152-C-A.
Identifiers: ClinVar variation 1936377 (VCV001936377.2), dbSNP rs750331984, ClinGen allele CA237814111.
Genomic context (GRCh38, chr12:57,764,369, plus strand): 5'-CCATCCACTAGTTGCTTCCCCAGCCCTTCCTTGGCATTTCCTCTTGTTCCTCCTCTCCTT[C>A]CCCCTCACCTTAGCACTTCCTTGACCACCGCCTTCAGCAGGGGCAGCTGGGACAGAACAG-3'

ClinVar aggregate classification (germline): Uncertain significance (1 of 4 stars; one submission).

Allele frequency attached by ClinVar (database versions not stated): gnomAD exomes below 0.00001; gnomAD 0.00001; TOPMed 0.00001.
gnomAD v4.1: 3 of 1,613,996 alleles (0.00019%); highest among the groups gnomAD compares: Middle Eastern, 0.016%; no homozygotes.

Submission:

Labcorp Genetics (formerly Invitae), Labcorp
Classification: Uncertain significance. Last evaluated: 2022-04-20. Review status: criteria provided, single submitter. Criteria: Invitae Variant Classification Sherloc (09022015). Collection method: clinical testing. Allele origin: germline.
Comment: This sequence change falls in intron 6 of the CYP27B1 gene. It does not directly change the encoded amino acid sequence of the CYP27B1 protein. This variant is not present in population databases (gnomAD no frequency). This variant has not been reported in the literature in individuals affected with CYP27B1-related conditions. Algorithms developed to predict the effect of sequence changes on RNA splicing suggest that this variant may create or strengthen a splice site. In summary, the available evidence is currently insufficient to determine the role of this variant in disease. Therefore, it has been classified as a Variant of Uncertain Significance.